The following is an entry in ClinVar:

NM_177433.3(MAGED2):c.92T>C (p.Leu31Ser)

Gene: MAGED2 (MAGE family member D2; plus strand). Cytogenetic location: Xp11.21.
Variant type: single nucleotide variant.
Coding change: c.92T>C on transcript NM_177433.3 (MANE Select); coding-DNA position 92, T replaced by C.
Protein change: p.Leu31Ser; replaces leucine 31 with serine.
Molecular consequence: missense variant.
Genome position (GRCh38, 1-based): chrX:54,809,768, T>C. VCF-style: chrX-54809768-T-C. GRCh37 (hg19) VCF-style: chrX-54836201-T-C.
Other names: c.92T>C, p.Leu31Ser (NM_014599.6, NM_201222.3); short protein forms L31S.
Identifiers: ClinVar variation 3251001 (VCV003251001.18), dbSNP rs147495006.

ClinVar aggregate classification (germline): Uncertain significance (1 of 4 stars; one submission).

Submission:

CeGaT Center for Human Genetics Tuebingen
Classification: Uncertain significance. Last evaluated: 2024-06-01. Review status: criteria provided, single submitter. Criteria: CeGaT Center For Human Genetics Tuebingen Variant Classification Criteria Version 2. Collection method: clinical testing. Allele origin: germline. Affected: yes. Observed: 1 variant allele.
Comment: MAGED2: PM2, BP4